The following is an entry in ClinVar:

NM_000230.3(LEP):c.496G>T (p.Gly166Trp)

Gene: LEP (leptin; plus strand). Cytogenetic location: 7q32.1.
Variant type: single nucleotide variant.
Coding change: c.496G>T on transcript NM_000230.3 (MANE Select); coding-DNA position 496, G replaced by T.
Protein change: p.Gly166Trp; replaces glycine 166 with tryptophan.
Molecular consequence: missense variant.
Genome position (GRCh38, 1-based): chr7:128,254,755, G>T. VCF-style: chr7-128254755-G-T. GRCh37 (hg19) VCF-style: chr7-127894808-G-T.
Other names: short protein forms G166W.
Identifiers: ClinVar variation 4994896 (VCV004994896.1).

ClinVar aggregate classification (germline): Uncertain significance (1 of 4 stars; one submission).

Conditions:
LEP-related disorder. Also called: LEP-related condition.

Submission:

PreventionGenetics, part of Exact Sciences
Classification: Uncertain significance for LEP-related condition. Last evaluated: 2025-10-20. Review status: criteria provided, single submitter. Criteria: ACMG Guidelines, 2015. Collection method: clinical testing. Allele origin: germline.
Comment: The LEP c.496G>T variant is predicted to result in the amino acid substitution p.Gly166Trp. To our knowledge, this variant has not been reported in the literature or in a large population database (gnomAD), indicating this variant is rare. At this time, the clinical significance of this variant is uncertain due to the absence of conclusive functional and genetic evidence.